The following is an entry in ClinVar:

ClinVar aggregate classification (germline): Conflicting classifications of pathogenicity. Review status: criteria provided, conflicting classifications (1 of 4 stars). 7 submissions from 7 submitters: Uncertain significance (5); Likely benign (2). Last evaluated 2025-07-07.

Conditions:
Hereditary breast ovarian cancer syndrome. Also called: Hereditary breast and ovarian cancer syndrome (HBOC); BRCA1- and BRCA2-Associated Hereditary Breast and Ovarian Cancer; Hereditary breast and ovarian cancer syndrome; Breast and ovarian cancer; Hereditary breast and/or ovarian cancer syndrome; Hereditary breast and ovarian cancer. Identifiers: Orphanet 145, MedGen C0677776, MeSH D061325, MONDO:0003582. Disease mechanism: loss of function.
Breast-ovarian cancer, familial, susceptibility to, 2 (BROVCA2). Also called: BRCA2 Hereditary Breast and Ovarian Cancer. Identifiers: Orphanet 145, MedGen C2675520, MONDO:0012933, OMIM 612555. Disease mechanism: loss of function.
Hereditary cancer-predisposing syndrome. Also called: Neoplastic Syndromes, Hereditary; Hereditary Cancer Syndrome; Hereditary neoplastic syndrome; Tumor predisposition. Identifiers: Orphanet 140162, MedGen C0027672, MeSH D009386, MONDO:0015356.

gnomAD v4.1: 4 of 1,613,530 alleles (0.00025%); highest among the groups gnomAD compares: African/African-American, 0.0013%; no homozygotes.

Submissions (7):

Ambry Genetics
Classification: Uncertain significance for Hereditary cancer-predisposing syndrome. Last evaluated: 2025-07-07. Review status: criteria provided, single submitter. Criteria: Ambry Variant Classification Scheme 2023. Collection method: clinical testing. Allele origin: germline.
Comment: The p.P1947A variant (also known as c.5839C>G), located in coding exon 10 of the BRCA2 gene, results from a C to G substitution at nucleotide position 5839. The proline at codon 1947 is replaced by alanine, an amino acid with highly similar properties. This amino acid position is not well conserved in available vertebrate species. In addition, this alteration is predicted to be tolerated by in silico analysis. Since supporting evidence is limited at this time, the clinical significance of this alteration remains unclear.

Color Diagnostics, LLC DBA Color Health
Classification: Uncertain significance for Hereditary cancer-predisposing syndrome. Last evaluated: 2025-01-07. Review status: criteria provided, single submitter. Criteria: ACMG Guidelines, 2015. Collection method: clinical testing. Allele origin: germline.
Comment: This missense variant replaces proline with alanine at codon 1947 of the BRCA2 protein. Computational prediction suggests that this variant may not impact protein structure and function. To our knowledge, functional studies have not been reported for this variant. This variant has not been reported in individuals affected with hereditary cancer in the literature. This variant has not been identified in the general population by the Genome Aggregation Database (gnomAD). The available evidence is insufficient to determine the role of this variant in disease conclusively. Therefore, this variant is classified as a Variant of Uncertain Significance.

Labcorp Genetics (formerly Invitae), Labcorp
Classification: Uncertain significance for Hereditary breast ovarian cancer syndrome. Last evaluated: 2024-06-17. Review status: criteria provided, single submitter. Criteria: Invitae Variant Classification Sherloc (09022015). Collection method: clinical testing. Allele origin: germline.
Comment: This sequence change replaces proline, which is neutral and non-polar, with alanine, which is neutral and non-polar, at codon 1947 of the BRCA2 protein (p.Pro1947Ala). This variant is not present in population databases (gnomAD no frequency). This variant has not been reported in the literature in individuals affected with BRCA2-related conditions. ClinVar contains an entry for this variant (Variation ID: 826000). Advanced modeling of protein sequence and biophysical properties (such as structural, functional, and spatial information, amino acid conservation, physicochemical variation, residue mobility, and thermodynamic stability) performed at Invitae indicates that this missense variant is not expected to disrupt BRCA2 protein function with a negative predictive value of 95%. In summary, the available evidence is currently insufficient to determine the role of this variant in disease. Therefore, it has been classified as a Variant of Uncertain Significance.

Myriad Genetics, Inc.
Classification: Likely benign for Breast-ovarian cancer, familial, susceptibility to, 2. Last evaluated: 2024-03-26. Review status: criteria provided, single submitter. Criteria: Myriad Autosomal Dominant, Autosomal Recessive and X-Linked Classification Criteria (2023). Collection method: clinical testing. Allele origin: unknown.
Comment: This variant is considered likely benign. This variant is strongly associated with less severe personal and family histories of cancer, typical for individuals without pathogenic variants in this gene [PMID: 25085752].

GeneDx
Classification: Uncertain significance. Last evaluated: 2024-02-20. Review status: criteria provided, single submitter. Criteria: GeneDx Variant Classification Process June 2021. Collection method: clinical testing. Allele origin: germline. Affected: yes.
Comment: Not observed at significant frequency in large population cohorts (gnomAD); In silico analysis supports that this missense variant has a deleterious effect on protein structure/function; Has not been previously published as pathogenic or benign to our knowledge; Also known as 6067C>G; This variant is associated with the following publications: (PMID: 29884841, 31911673, 32377563, 30702160, 35585550)

University of Washington Department of Laboratory Medicine, University of Washington
Classification: Likely benign for Hereditary cancer-predisposing syndrome. Last evaluated: 2023-03-23. Review status: criteria provided, single submitter. Criteria: Dines et al. (Genet Med. 2020). Collection method: curation. Allele origin: germline.
Comment: Missense variant in a coldspot region where missense variants are very unlikely to be pathogenic (PMID:31911673).

BRCA2 exon 11 coldspot. Reclassification based on statistical prior probability.

Women's Health and Genetics/Laboratory Corporation of America, LabCorp
Classification: Uncertain significance. Last evaluated: 2019-09-16. Review status: criteria provided, single submitter. Criteria: LabCorp Variant Classification Summary - May 2015. Collection method: clinical testing. Allele origin: germline.
Comment: Variant summary: BRCA2 c.5839C>G (p.Pro1947Ala) results in a non-conservative amino acid change in the encoded protein sequence. Four of five in-silico tools predict a benign effect of the variant on protein function. The variant was absent in 250962 control chromosomes. The available data on variant occurrences in the general population are insufficient to allow any conclusion about variant significance. To our knowledge, no occurrence of c.5839C>G in individuals affected with Hereditary Breast and Ovarian Cancer and no experimental evidence demonstrating its impact on protein function have been reported. No clinical diagnostic laboratories have submitted clinical-significance assessments for this variant to ClinVar after 2014. Based on the evidence outlined above, the variant was classified as uncertain significance.

Literature cited by the submitters: PubMed 25085752 (cited by Myriad Genetics, Inc.).

NM_000059.4(BRCA2):c.5839C>G (p.Pro1947Ala)

Gene: BRCA2 (BRCA2 DNA repair associated; plus strand). Cytogenetic location: 13q13.1.
Variant type: single nucleotide variant.
Coding change: c.5839C>G on transcript NM_000059.4 (MANE Select); coding-DNA position 5839, C replaced by G.
Protein change: p.Pro1947Ala; replaces proline 1947 with alanine.
Molecular consequence: missense variant.
Genome position (GRCh38, 1-based): chr13:32,340,194, C>G. VCF-style: chr13-32340194-C-G. GRCh37 (hg19) VCF-style: chr13-32914331-C-G.
Other names: short protein forms P1947A.
Identifiers: ClinVar variation 826000 (VCV000826000.20), dbSNP rs80358812, ClinGen allele CA387787351.
Genomic context (GRCh38, chr13:32,340,194, plus strand): 5'-GAAGAAATTTTACAACATAACCAAAATATGTCTGGATTGGAGAAAGTTTCTAAAATATCA[C>G]CTTGTGATGTTAGTTTGGAAACTTCAGATATATGTAAATGTAGTATAGGGAAGCTTCATA-3'
Protein context (NP_000050.3, residues 1937-1957): SGLEKVSKIS[Pro1947Ala]CDVSLETSDI